The following is an entry in ClinVar:

NM_139285.4(GAS2L2):c.2591C>T (p.Pro864Leu)

Gene: GAS2L2 (growth arrest specific 2 like 2; minus strand). Cytogenetic location: 17q12.
Variant type: single nucleotide variant.
Coding change: c.2591C>T on transcript NM_139285.4 (MANE Select); coding-DNA position 2591, C replaced by T.
Protein change: p.Pro864Leu; replaces proline 864 with leucine.
Molecular consequence: missense variant.
Genome position (GRCh38, 1-based): chr17:35,744,906, G>A on the plus strand (C>T on the coding strand, the complement: GAS2L2 is on the minus strand). VCF-style: chr17-35744906-G-A. GRCh37 (hg19) VCF-style: chr17-34071925-G-A.
Other names: short protein forms P864L.
Identifiers: ClinVar variation 3043180 (VCV003043180.3), dbSNP rs115568763, ClinGen allele CA8505811.

ClinVar aggregate classification (germline): Likely benign. Review status: criteria provided, single submitter (1 of 4 stars). 2 submissions from 2 submitters: Likely benign (1). 1 of the submissions does not count toward it. Last evaluated 2024-11-06.

Conditions:
GAS2L2-related disorder. Also called: GAS2L2-related condition.

Allele frequency attached by ClinVar (database versions not stated): gnomAD exomes 0.00048; ExAC 0.00226; 1000 Genomes Project 0.00499; gnomAD 0.00518; TOPMed 0.00540; ESP Exome Variant Server 0.00546; 1000 Genomes Project 30x 0.00593.
gnomAD v4.1: 1,525 of 1,611,552 alleles (0.095%); highest among the groups gnomAD compares: African/African-American, 1.8%; 17 homozygotes.

Submissions (2):

Blueprint Genetics
Classification: Likely benign. Last evaluated: 2024-11-06. Review status: criteria provided, single submitter. Criteria: ACMG Guidelines, 2015. Collection method: clinical testing. Allele origin: germline.

PreventionGenetics, part of Exact Sciences
Classification: Benign for GAS2L2-related condition. Last evaluated: 2019-11-25. Review status: no assertion criteria provided. Collection method: clinical testing. Allele origin: germline. Not counted in ClinVar's aggregate classification.
Comment: This variant is classified as benign based on ACMG/AMP sequence variant interpretation guidelines (Richards et al. 2015 PMID: 25741868, with internal and published modifications).